The following is an entry in ClinVar:

NM_057175.5(NAA15):c.1122T>C (p.Leu374=)

Gene: NAA15 (N-alpha-acetyltransferase 15, NatA auxiliary subunit; plus strand). Cytogenetic location: 4q31.1.
Variant type: single nucleotide variant.
Coding change: c.1122T>C on transcript NM_057175.5 (MANE Select); coding-DNA position 1122, T replaced by C.
Protein change: p.Leu374=; no amino-acid change (leucine 374 retained).
Molecular consequence: synonymous variant.
Genome position (GRCh38, 1-based): chr4:139,357,420, T>C. VCF-style: chr4-139357420-T-C. GRCh37 (hg19) VCF-style: chr4-140278574-T-C.
Other names: c.1122T>C, p.Leu374= (NM_001410842.1, NM_025085.2).
Identifiers: ClinVar variation 3029588 (VCV003029588.16), dbSNP rs751083482, ClinGen allele CA106668815.

ClinVar aggregate classification (germline): Likely benign. Review status: criteria provided, single submitter (1 of 4 stars). 2 submissions from 2 submitters: Likely benign (1). 1 of the submissions does not count toward it. Last evaluated 2024-11-01.

Conditions:
NAA15-related disorder.

Allele frequency attached by ClinVar (database versions not stated): gnomAD exomes 0.00002; gnomAD 0.00001; TOPMed 0.00001.
gnomAD v4.1: 33 of 1,613,784 alleles (0.002%); highest among the groups gnomAD compares: African/African-American, 0.0027%; no homozygotes.

Submissions (2):

CeGaT Center for Human Genetics Tuebingen
Classification: Likely benign. Last evaluated: 2024-11-01. Review status: criteria provided, single submitter. Criteria: CeGaT Center For Human Genetics Tuebingen Variant Classification Criteria Version 2. Collection method: clinical testing. Allele origin: germline. Affected: yes. Observed: 1 variant allele.
Comment: NAA15: BP4, BP7

PreventionGenetics, part of Exact Sciences
Classification: Likely benign for NAA15-related condition. Last evaluated: 2022-04-06. Review status: no assertion criteria provided. Collection method: clinical testing. Allele origin: germline. Not counted in ClinVar's aggregate classification.
Comment: This variant is classified as likely benign based on ACMG/AMP sequence variant interpretation guidelines (Richards et al. 2015 PMID: 25741868, with internal and published modifications).